The following is an entry in ClinVar:

NM_004211.5(SLC6A5):c.2071-3C>A

Gene: SLC6A5 (solute carrier family 6 member 5; plus strand). Cytogenetic location: 11p15.1.
Variant type: single nucleotide variant.
Coding change: c.2071-3C>A on transcript NM_004211.5 (MANE Select); 3 bases into the intron before coding-DNA position 2071, C replaced by A.
Molecular consequence: intron variant.
Genome position (GRCh38, 1-based): chr11:20,652,286, C>A. VCF-style: chr11-20652286-C-A. GRCh37 (hg19) VCF-style: chr11-20673832-C-A.
Other names: c.1369-3C>A (NM_001318369.2); c.2071-3C>A (NM_004211.4).
Identifiers: ClinVar variation 304033 (VCV000304033.19), dbSNP rs72932998, ClinGen allele CA5921691.

ClinVar aggregate classification (germline): Benign/Likely benign. Review status: criteria provided, multiple submitters, no conflicts (2 of 4 stars). 6 submissions from 6 submitters: Benign (4); Likely benign (1). 1 of the submissions does not count toward it. Last evaluated 2026-02-03.

Conditions:
Hyperekplexia 3 (HKPX3). Also called: HYPEREKPLEXIA 3, AUTOSOMAL RECESSIVE; HYPEREKPLEXIA 3, AUTOSOMAL DOMINANT. Identifiers: Orphanet 3197, MedGen C3553288, MONDO:0013827, OMIM 614618.
SLC6A5-related disorder. Also called: SLC6A5-related condition.

Allele frequency attached by ClinVar (database versions not stated): gnomAD exomes 0.15978; ExAC 0.16228; 1000 Genomes Project 0.07548; 1000 Genomes Project 30x 0.07589; TOPMed 0.13976; gnomAD 0.14297 and 0.14713; ESP Exome Variant Server 0.15247.
gnomAD v4.1: 299,450 of 1,613,220 alleles (19%); highest among the groups gnomAD compares: Non-Finnish European, 21%; 30,845 homozygotes.

Submissions (10):

Labcorp Genetics (formerly Invitae), Labcorp
Classification: Benign for Hyperekplexia 3. Last evaluated: 2026-02-03. Review status: criteria provided, single submitter. Criteria: Invitae Variant Classification Sherloc (09022015). Collection method: clinical testing. Allele origin: germline.

Blueprint Genetics
Classification: Likely benign. Last evaluated: 2024-11-27. Review status: criteria provided, single submitter. Criteria: ACMG Guidelines, 2015. Collection method: clinical testing. Allele origin: germline.

GeneDx
Classification: Benign. Last evaluated: 2019-08-22. Review status: criteria provided, single submitter. Criteria: GeneDx Variant Classification Process June 2021. Collection method: clinical testing. Allele origin: germline. Affected: yes.

Illumina Laboratory Services, Illumina
Classification: Benign for Hyperekplexia 3. Last evaluated: 2018-01-12. Review status: criteria provided, single submitter. Criteria: ICSL Variant Classification Criteria 13 December 2019. Collection method: clinical testing. Allele origin: germline.
Comment: This variant was observed in the ICSL laboratory as part of a predisposition screen in an ostensibly healthy population. It had not been previously curated by ICSL or reported in the Human Gene Mutation Database (HGMD: prior to June 1st, 2018), and was therefore a candidate for classification through an automated scoring system. Utilizing variant allele frequency, disease prevalence and penetrance estimates, and inheritance mode, an automated score was calculated to assess if this variant is too frequent to cause the disease. Based on the score and internal cut-off values, a variant classified as benign is not then subjected to further curation. The score for this variant resulted in a classification of benign for this disease.

Breakthrough Genomics
Classification: Benign. Review status: criteria provided, single submitter. Criteria: ACMG Guidelines, 2015. Collection method: not provided. Allele origin: germline. Inheritance: Autosomal dominant inheritance. Affected: yes.

PreventionGenetics, part of Exact Sciences
Classification: Benign for SLC6A5-related condition. Last evaluated: 2019-08-28. Review status: no assertion criteria provided. Collection method: clinical testing. Allele origin: germline. Not counted in ClinVar's aggregate classification.
Comment: This variant is classified as benign based on ACMG/AMP sequence variant interpretation guidelines (Richards et al. 2015 PMID: 25741868, with internal and published modifications).

Dr. Peter K. Rogan Lab, Western University
No classification provided (evidence only). Condition: Malignant lymphoma, large B-cell, diffuse. Review status: no classification provided. Collection method: in vitro. Allele origin: not applicable. Functional consequence: retained intron. Not counted in ClinVar's aggregate classification.

Dr. Peter K. Rogan Lab, Western University
No classification provided (evidence only). Condition: Malignant lymphoma, large B-cell, diffuse. Review status: no classification provided. Collection method: in vitro. Allele origin: not applicable. Functional consequence: retained intron. Not counted in ClinVar's aggregate classification.

Dr. Peter K. Rogan Lab, Western University
No classification provided (evidence only). Condition: Malignant lymphoma, large B-cell, diffuse. Review status: no classification provided. Collection method: in vitro. Allele origin: not applicable. Functional consequence: retained intron. Not counted in ClinVar's aggregate classification.

Dr. Peter K. Rogan Lab, Western University
No classification provided (evidence only). Condition: Uterine carcinosarcoma. Review status: no classification provided. Collection method: in vitro. Allele origin: not applicable. Functional consequence: retained intron. Not counted in ClinVar's aggregate classification.